The following is an entry in ClinVar:

NM_000359.3(TGM1):c.1515G>A (p.Trp505Ter)

Gene: TGM1 (transglutaminase 1; minus strand). Cytogenetic location: 14q12.
Variant type: single nucleotide variant.
Coding change: c.1515G>A on transcript NM_000359.3 (MANE Select); coding-DNA position 1515, G replaced by A.
Protein change: p.Trp505Ter; replaces tryptophan 505 with a stop codon.
Molecular consequence: nonsense.
Genome position (GRCh38, 1-based): chr14:24,255,494, C>T on the plus strand (G>A on the coding strand, the complement: TGM1 is on the minus strand). VCF-style: chr14-24255494-C-T. GRCh37 (hg19) VCF-style: chr14-24724700-C-T.
Other names: c.1515G>A (NM_000359.2); short protein forms W505*.
Identifiers: ClinVar variation 2679187 (VCV002679187.2), dbSNP rs2502495143, ClinGen allele CA389254900.

ClinVar aggregate classification (germline): Likely pathogenic. Review status: criteria provided, multiple submitters, no conflicts (2 of 4 stars). 2 submissions from 2 submitters: Likely pathogenic (2). Last evaluated 2025-12-11.

Conditions:
Autosomal recessive congenital ichthyosis 1 (LI1). Also called: ICHTHYOSIS, CONGENITAL, AUTOSOMAL RECESSIVE 1, WITH BATHING SUIT DISTRIBUTION; ICHTHYOSIS, CONGENITAL, AUTOSOMAL RECESSIVE 1, WITH OR WITHOUT BATHING SUIT DISTRIBUTION; COLLODION FETUS; DESQUAMATION OF NEWBORN; ICHTHYOSIS CONGENITA; ICHTHYOSIS CONGENITA II. Identifiers: MedGen C4551630, MONDO:0009441, OMIM 242300.

Submissions (2):

Natera, Inc.
Classification: Likely pathogenic for Autosomal recessive congenital ichthyosis type 1. Last evaluated: 2025-12-11. Review status: criteria provided, single submitter. Criteria: Natera Variant Classification Schema (03/2026). Collection method: clinical testing. Allele origin: germline.
Comment: The c.1515G>A variant in TGM1 is a nonsense variant predicted to introduce a stop codon at amino acid 505. This variant is expected to result in nonsense mediated decay, truncation, or a dysfunctional protein product. This variant is rare in the general population with a frequency below the threshold expected for the associated phenotype(s). Given the available evidence, this variant is classified as Likely Pathogenic.

Baylor Genetics
Classification: Likely pathogenic for Autosomal recessive congenital ichthyosis 1. Last evaluated: 2022-11-28. Review status: criteria provided, single submitter. Criteria: ACMG Guidelines, 2015. Collection method: clinical testing. Allele origin: unknown.